The following is an entry in ClinVar:

NM_001083614.2(EARS2):c.1149C>T (p.Ala383=)

Gene: EARS2 (glutamyl-tRNA synthetase 2, mitochondrial; minus strand). Cytogenetic location: 16p12.2.
Variant type: single nucleotide variant.
Coding change: c.1149C>T on transcript NM_001083614.2 (MANE Select); coding-DNA position 1149, C replaced by T.
Protein change: p.Ala383=; no amino-acid change (alanine 383 retained).
Molecular consequence: synonymous variant. On other transcripts: non-coding transcript variant (1).
Genome position (GRCh38, 1-based): chr16:23,529,816, G>A on the plus strand (C>T on the coding strand, the complement: EARS2 is on the minus strand). VCF-style: chr16-23529816-G-A. GRCh37 (hg19) VCF-style: chr16-23541137-G-A.
Other names: p.Ala383=; c.1149C>T, p.Ala383= (NM_001308211.1).
Identifiers: ClinVar variation 4684083 (VCV004684083.1).

ClinVar aggregate classification (germline): Likely benign (1 of 4 stars; one submission).

gnomAD v4.1: 1 of 1,614,126 alleles (0.000062%); highest among the groups gnomAD compares: Non-Finnish European, 0.000085%; no homozygotes.

Submission:

Mayo Clinic Laboratories, Mayo Clinic
Classification: Likely benign. Last evaluated: 2024-09-24. Review status: criteria provided, single submitter. Criteria: ACMG Guidelines, 2015. Collection method: clinical testing. Allele origin: germline. Observed: 2 variant alleles.
Comment: BP4, BP7